The following is an entry in ClinVar:

ClinVar aggregate classification (germline): Likely pathogenic (1 of 4 stars; one submission).

Conditions:
Neurodevelopmental disorder with hypotonia, stereotypic hand movements, and impaired language. Also called: Intellectual disability, autosomal dominant 20. Identifiers: Orphanet 228384, Orphanet 664410, MedGen C3150700, MONDO:0013266, OMIM 613443.

Submission:

Institute of Human Genetics, University of Leipzig Medical Center
Classification: Likely pathogenic for Neurodevelopmental disorder with hypotonia, stereotypic hand movements, and impaired language. Last evaluated: 2024-02-26. Review status: criteria provided, single submitter. Criteria: ACMG Guidelines, 2015. Collection method: clinical testing. Allele origin: unknown. Affected: yes.
Comment: Criteria applied: PVS1,PM2_SUP

NM_002397.5(MEF2C):c.728dup (p.Met244fs)

Gene: MEF2C (myocyte enhancer factor 2C; minus strand). Cytogenetic location: 5q14.3.
Variant type: Duplication.
Coding change: c.728dup on transcript NM_002397.5 (MANE Select); coding-DNA position 728, one base duplicated (C; older notation c.728dupC).
Protein change: p.Met244fs; shifts the reading frame from methionine 244.
Molecular consequence: frameshift variant.
Genome position (GRCh38, 1-based): chr5:88,731,811, G duplicated on the plus strand (C on the coding strand, the reverse complement: MEF2C is on the minus strand); the first of 5 consecutive G bases (chr5:88,731,811-88,731,815); duplicating any one gives the same sequence. VCF-style (leftmost placement, unchanged base first): chr5-88731810-T-TG. GRCh37 (hg19) VCF-style: chr5-88027627-T-TG.
Other names: c.728dup, p.Met244fs (NM_001364346.2, NM_001364347.2, NM_001364348.2 and 18 more transcripts); c.722dup, p.Met242fs (NM_001364352.2, NM_001364343.2, NM_001131005.2); c.350dup, p.Met118fs (NM_001364353.2, NM_001364356.2); c.584dup, p.Met196fs (NM_001364354.2, NM_001364355.2, NM_001364344.2 and 3 more transcripts); c.302dup, p.Met102fs (NM_001364357.2); c.782dup, p.Met262fs (NM_001364338.2, NM_001193347.1); short protein forms M102fs, M118fs, M196fs, M242fs, M244fs, M262fs.
Identifiers: ClinVar variation 3024545 (VCV003024545.2), dbSNP rs1581392920, ClinGen allele CA2740091772.
Genomic context (GRCh38, chr5:88,731,810, plus strand): 5'-GCTGCCTGGTGGAATAAGAACTCGGAGATCTGGTTTACGGTTATTCATTCCTAAATTCAT[T>TG]GGGGGAGGAGATTTTGCTTGCATATTCTTGTTCAAGTTACCAGGTGAGACCAGCAGACCT-3'